The following is an entry in ClinVar:

NM_003119.4(SPG7):c.1663+14G>A

Gene: SPG7 (SPG7 matrix AAA peptidase subunit, paraplegin; plus strand). Cytogenetic location: 16q24.3.
Variant type: single nucleotide variant.
Coding change: c.1663+14G>A on transcript NM_003119.4 (MANE Select); 14 bases into the intron after coding-DNA position 1663, G replaced by A.
Molecular consequence: intron variant.
Genome position (GRCh38, 1-based): chr16:89,548,127, G>A. VCF-style: chr16-89548127-G-A. GRCh37 (hg19) VCF-style: chr16-89614535-G-A.
Other names: c.1663+14G>A (NM_001363850.1).
Identifiers: ClinVar variation 215190 (VCV000215190.6), dbSNP rs368500645, ClinGen allele CA323217.

ClinVar aggregate classification (germline): Benign/Likely benign. Review status: criteria provided, multiple submitters, no conflicts (2 of 4 stars). 2 submissions from 2 submitters: Benign (1); Likely benign (1). Last evaluated 2023-04-20.

Conditions:
Hereditary spastic paraplegia 7 (SPG7). Also called: Spastic paraplegia 7; Hereditary spastic paraplegia Paraplegin type; Autosomal recessive spastic paraplegia type 7; SPASTIC PARAPLEGIA 7, AUTOSOMAL RECESSIVE, WITH OR WITHOUT CEREBELLAR ATAXIA; SPG7-related neurologic disorder. Identifiers: Orphanet 99013, MedGen C1846564, MONDO:0011803, OMIM 607259.

Allele frequency attached by ClinVar (database versions not stated): gnomAD 0.00003 and 0.00004; TOPMed 0.00003; gnomAD exomes 0.00003; ESP Exome Variant Server 0.00008.
gnomAD v4.1: 32 of 1,572,118 alleles (0.002%); highest among the groups gnomAD compares: African/African-American, 0.004%; no homozygotes.

Submissions (2):

Labcorp Genetics (formerly Invitae), Labcorp
Classification: Likely benign for Hereditary spastic paraplegia 7. Last evaluated: 2023-04-20. Review status: criteria provided, single submitter. Criteria: Invitae Variant Classification Sherloc (09022015). Collection method: clinical testing. Allele origin: germline.

GeneDx
Classification: Benign. Last evaluated: 2014-12-17. Review status: criteria provided, single submitter. Criteria: GeneDx Variant Classification (06012015). Collection method: clinical testing. Allele origin: germline. Affected: yes.
Comment: This variant is considered likely benign or benign based on one or more of the following criteria: it is a conservative change, it occurs at a poorly conserved position in the protein, it is predicted to be benign by multiple in silico algorithms, and/or has population frequency not consistent with disease.